The following is an entry in ClinVar:

NM_001008537.3(NEXMIF):c.2293C>T (p.Pro765Ser)

Gene: NEXMIF (neurite extension and migration factor; minus strand). Cytogenetic location: Xq13.3.
Variant type: single nucleotide variant.
Coding change: c.2293C>T on transcript NM_001008537.3 (MANE Select); coding-DNA position 2293, C replaced by T.
Protein change: p.Pro765Ser; replaces proline 765 with serine.
Molecular consequence: missense variant.
Genome position (GRCh38, 1-based): chrX:74,742,264, G>A on the plus strand (C>T on the coding strand, the complement: NEXMIF is on the minus strand). VCF-style: chrX-74742264-G-A. GRCh37 (hg19) VCF-style: chrX-73962099-G-A.
Other names: short protein forms P765S.
Identifiers: ClinVar variation 961977 (VCV000961977.9), dbSNP rs1432847439, ClinGen allele CA413668533.
Genomic context (GRCh38, chrX:74,742,264, plus strand): 5'-AACTCTTAGCAGCCTTTGCCTCATGAAATTCAGATAGACGGGAACTGTTTGATGTCCCAG[G>A]AATAACTTCATTCTTTAAATTAGCCTTTGAGGATTGGTTTTCCAAGAGAGGGCTCATTTG-3'
Protein context (NP_001008537.1, residues 755-775): SKANLKNEVI[Pro765Ser]GTSNSSRLSE

ClinVar aggregate classification (germline): Uncertain significance (1 of 4 stars; one submission).

Submission:

Labcorp Genetics (formerly Invitae), Labcorp
Classification: Uncertain significance. Last evaluated: 2022-08-16. Review status: criteria provided, single submitter. Criteria: Invitae Variant Classification Sherloc (09022015). Collection method: clinical testing. Allele origin: germline.
Comment: In summary, the available evidence is currently insufficient to determine the role of this variant in disease. Therefore, it has been classified as a Variant of Uncertain Significance. Algorithms developed to predict the effect of missense changes on protein structure and function output the following: SIFT: "Tolerated"; PolyPhen-2: "Benign"; Align-GVGD: "Class C0". The serine amino acid residue is found in multiple mammalian species, which suggests that this missense change does not adversely affect protein function. ClinVar contains an entry for this variant (Variation ID: 961977). This variant has not been reported in the literature in individuals affected with NEXMIF-related conditions. This variant is not present in population databases (gnomAD no frequency). This sequence change replaces proline, which is neutral and non-polar, with serine, which is neutral and polar, at codon 765 of the NEXMIF protein (p.Pro765Ser).